The following is an entry in ClinVar:

ClinVar aggregate classification (germline): Uncertain significance (1 of 4 stars; one submission).

Allele frequency attached by ClinVar (database versions not stated): gnomAD exomes below 0.00001 and 0.00001; TOPMed below 0.00001.
gnomAD v4.1: 10 of 1,613,152 alleles (0.00062%); highest among the groups gnomAD compares: Non-Finnish European, 0.00076%; no homozygotes.

Submission:

Labcorp Genetics (formerly Invitae), Labcorp
Classification: Uncertain significance. Last evaluated: 2021-07-22. Review status: criteria provided, single submitter. Criteria: Invitae Variant Classification Sherloc (09022015). Collection method: clinical testing. Allele origin: germline.
Comment: This sequence change replaces proline with serine at codon 819 of the PLK4 protein (p.Pro819Ser). The proline residue is moderately conserved and there is a moderate physicochemical difference between proline and serine. This variant is not present in population databases (ExAC no frequency). This variant has not been reported in the literature in individuals affected with PLK4-related conditions. Algorithms developed to predict the effect of missense changes on protein structure and function output the following: SIFT: "Tolerated"; PolyPhen-2: "Benign"; Align-GVGD: "Class C0". The serine amino acid residue is found in multiple mammalian species, which suggests that this missense change does not adversely affect protein function. In summary, the available evidence is currently insufficient to determine the role of this variant in disease. Therefore, it has been classified as a Variant of Uncertain Significance.

NM_014264.5(PLK4):c.2455C>T (p.Pro819Ser)

Gene: PLK4 (polo like kinase 4; plus strand). Cytogenetic location: 4q28.1.
Variant type: single nucleotide variant.
Coding change: c.2455C>T on transcript NM_014264.5 (MANE Select); coding-DNA position 2455, C replaced by T.
Protein change: p.Pro819Ser; replaces proline 819 with serine.
Molecular consequence: missense variant.
Genome position (GRCh38, 1-based): chr4:127,893,774, C>T. VCF-style: chr4-127893774-C-T. GRCh37 (hg19) VCF-style: chr4-128814929-C-T.
Other names: c.2359C>T, p.Pro787Ser (NM_001190799.2); c.2332C>T, p.Pro778Ser (NM_001190801.2); short protein forms P778S, P787S, P819S.
Identifiers: ClinVar variation 1369148 (VCV001369148.8), dbSNP rs756034015, ClinGen allele CA105641885.